The following is an entry in ClinVar:

NM_000214.3(JAG1):c.439+1G>C

Gene: JAG1 (jagged canonical Notch ligand 1; minus strand). Cytogenetic location: 20p12.2.
Variant type: single nucleotide variant.
Coding change: c.439+1G>C on transcript NM_000214.3 (MANE Select); the canonical splice donor site of the intron after coding-DNA position 439, G replaced by C.
Molecular consequence: splice donor variant.
Genome position (GRCh38, 1-based): chr20:10,663,962, C>G on the plus strand (G>C on the coding strand, the complement: JAG1 is on the minus strand). VCF-style: chr20-10663962-C-G. GRCh37 (hg19) VCF-style: chr20-10644610-C-G.
Other names: c.439+1G>C (NM_000214.2).
Identifiers: ClinVar variation 3609789 (VCV003609789.3).

ClinVar aggregate classification (germline): Pathogenic. Review status: criteria provided, multiple submitters, no conflicts (2 of 4 stars). 2 submissions from 2 submitters: Pathogenic (2). Last evaluated 2026-03-23.

Conditions:
JAG1-related disorder. Also called: JAG1-related disorders; JAG1-related condition.
Alagille syndrome due to a JAG1 point mutation. Also called: Alagille Syndrome 1; JAG1-Related Alagille Syndrome; HEPATIC DUCTULAR HYPOPLASIA, SYNDROMATIC. Identifiers: Orphanet 261619, Orphanet 52, MedGen C1956125, MONDO:0016862, OMIM 118450.

Submissions (2):

PreventionGenetics, part of Exact Sciences
Classification: Pathogenic for JAG1-related condition. Last evaluated: 2026-03-23. Review status: criteria provided, single submitter. Criteria: ACMG Guidelines, 2015. Collection method: clinical testing. Allele origin: germline.
Comment: The JAG1 c.439+1G>C variant is predicted to disrupt the GT donor site and interfere with normal splicing. This variant has been reported in an individual with Alagille syndrome (Gilbert et al 2019. PubMed ID: 31343788). An alternate nucleotide change affecting the same nucleotide (c.439+1 G>A) has been previously reported in association with Alagille syndrome (Crosnier et al. 2001. PubMed ID: 11139247; Jurkiewicz et al. 2014. PubMed ID: 24748328). This variant has not been reported in a large population database (gnomAD), indicating this variant is rare. Variants that disrupt the consensus splice donor site in JAG1 are expected to be pathogenic. This variant is interpreted as pathogenic.

Labcorp Genetics (formerly Invitae), Labcorp
Classification: Pathogenic for Alagille syndrome due to a JAG1 point mutation. Last evaluated: 2024-02-26. Review status: criteria provided, single submitter. Criteria: Invitae Variant Classification Sherloc (09022015). Collection method: clinical testing. Allele origin: germline.
Comment: This sequence change affects a donor splice site in intron 3 of the JAG1 gene. It is expected to disrupt RNA splicing. Variants that disrupt the donor or acceptor splice site typically lead to a loss of protein function (PMID: 16199547), and loss-of-function variants in JAG1 are known to be pathogenic (PMID: 11180599). This variant is not present in population databases (gnomAD no frequency). Disruption of this splice site has been observed in individuals with Alagille syndrome (PMID: 11139247, 31343788). Algorithms developed to predict the effect of sequence changes on RNA splicing suggest that this variant may disrupt the consensus splice site. For these reasons, this variant has been classified as Pathogenic.

Literature cited by the submitters: PubMed 16199547 (cited by Labcorp Genetics (formerly Invitae), Labcorp); PubMed 11180599 (cited by Labcorp Genetics (formerly Invitae), Labcorp); PubMed 11139247 (cited by Labcorp Genetics (formerly Invitae), Labcorp); PubMed 31343788 (cited by Labcorp Genetics (formerly Invitae), Labcorp).